The following is an entry in ClinVar:

NM_000548.5(TSC2):c.3491C>T (p.Ala1164Val)

Gene: TSC2 (TSC complex subunit 2; plus strand). Cytogenetic location: 16p13.3.
Variant type: single nucleotide variant.
Coding change: c.3491C>T on transcript NM_000548.5 (MANE Select); coding-DNA position 3491, C replaced by T.
Protein change: p.Ala1164Val; replaces alanine 1164 with valine.
Molecular consequence: missense variant.
Genome position (GRCh38, 1-based): chr16:2,080,258, C>T. VCF-style: chr16-2080258-C-T. GRCh37 (hg19) VCF-style: chr16-2130259-C-T.
Other names: p.Ala1164Val; c.3359C>T, p.Ala1120Val (NM_001077183.3, NM_001370404.1); c.3491C>T, p.Ala1164Val (NM_001114382.3); c.3251C>T, p.Ala1084Val (NM_001318827.2); c.3215C>T, p.Ala1072Val (NM_001318829.2); c.2759C>T, p.Ala920Val (NM_001318831.2); c.3392C>T, p.Ala1131Val (NM_001318832.2); c.3362C>T, p.Ala1121Val (NM_001363528.2, NM_001370405.1, NM_021055.3); short protein forms A1164V, A1072V, A1120V, A1121V, A1084V, A920V, A1131V.
Identifiers: ClinVar variation 50090 (VCV000050090.63), dbSNP rs45448801, ClinGen allele CA019211.

ClinVar aggregate classification (germline): Conflicting classifications of pathogenicity. Review status: criteria provided, conflicting classifications (1 of 4 stars). 16 submissions from 16 submitters: Uncertain significance (1); Benign (2); Likely benign (8). 5 of the submissions do not count toward it. Last evaluated 2026-01-28.

Conditions:
TSC2-related disorder. Also called: TSC2-related condition; TSC2-Related Disorders.
Hereditary cancer-predisposing syndrome. Also called: Hereditary Cancer Syndrome; Tumor predisposition; Neoplastic Syndromes, Hereditary; Hereditary neoplastic syndrome. Identifiers: Orphanet 140162, MedGen C0027672, MeSH D009386, MONDO:0015356.
Tuberous sclerosis syndrome (TSC). Also called: Tuberous Sclerosis Complex; Tuberous sclerosis. Identifiers: Orphanet 805, MedGen C0041341, MONDO:0001734.
Tuberous sclerosis 2 (TSC2). Identifiers: Orphanet 805, MedGen C1860707, MONDO:0013199, OMIM 613254.

Allele frequency attached by ClinVar (database versions not stated): TOPMed 0.00012; gnomAD 0.00013 and 0.00014; gnomAD exomes 0.00013 and 0.00016; ExAC 0.00015; ESP Exome Variant Server 0.00031.
gnomAD v4.1: 257 of 1,612,876 alleles (0.016%); highest among the groups gnomAD compares: Non-Finnish European, 0.018%; no homozygotes.

Submissions (16):

Labcorp Genetics (formerly Invitae), Labcorp
Classification: Benign for Tuberous sclerosis 2. Last evaluated: 2026-01-28. Review status: criteria provided, single submitter. Criteria: Invitae Variant Classification Sherloc (09022015). Collection method: clinical testing. Allele origin: germline.

Myriad Genetics, Inc.
Classification: Likely benign for Tuberous sclerosis 2. Last evaluated: 2025-05-29. Review status: criteria provided, single submitter. Criteria: Myriad Autosomal Dominant, Autosomal Recessive and X-Linked Classification Criteria (2023). Collection method: clinical testing. Allele origin: unknown.
Comment: This variant is considered likely benign. This variant has been observed at a population frequency that is significantly greater than expected given the associated disease prevalence and penetrance.

Blueprint Genetics
Classification: Likely benign. Last evaluated: 2024-09-19. Review status: criteria provided, single submitter. Criteria: ACMG Guidelines, 2015. Collection method: clinical testing. Allele origin: germline.

Ambry Genetics
Classification: Likely benign for Hereditary cancer-predisposing syndrome. Last evaluated: 2024-08-05. Review status: criteria provided, single submitter. Criteria: Ambry Variant Classification Scheme 2023. Collection method: clinical testing. Allele origin: germline.

Color Diagnostics, LLC DBA Color Health
Classification: Likely benign for Tuberous sclerosis syndrome. Last evaluated: 2022-08-16. Review status: criteria provided, single submitter. Criteria: ACMG Guidelines, 2015. Collection method: clinical testing. Allele origin: germline.

CeGaT Center for Human Genetics Tuebingen
Classification: Likely benign. Last evaluated: 2021-12-01. Review status: criteria provided, single submitter. Criteria: CeGaT Center For Human Genetics Tuebingen Variant Classification Criteria Version 2. Collection method: clinical testing. Allele origin: germline. Affected: yes. Observed: 1 variant allele.

Genome-Nilou Lab
Classification: Likely benign for Tuberous sclerosis 2. Last evaluated: 2021-11-07. Review status: criteria provided, single submitter. Criteria: ACMG Guidelines, 2015. Collection method: clinical testing. Allele origin: germline. Affected: no.

Sema4
Classification: Likely benign for Hereditary cancer-predisposing syndrome. Last evaluated: 2021-06-03. Review status: criteria provided, single submitter. Criteria: Sema4 Curation Guidelines. Collection method: curation. Allele origin: germline.

Mayo Clinic Laboratories, Mayo Clinic
Classification: Benign. Last evaluated: 2020-11-23. Review status: criteria provided, single submitter. Criteria: ACMG Guidelines, 2015. Collection method: clinical testing. Allele origin: germline. Observed: 2 variant alleles.

GeneDx
Classification: Likely benign. Last evaluated: 2020-09-21. Review status: criteria provided, single submitter. Criteria: GeneDx Variant Classification Process June 2021. Collection method: clinical testing. Allele origin: germline. Affected: yes.
Comment: This variant is associated with the following publications: (PMID: 15798777, 27153395)

Baylor Genetics
Classification: Uncertain significance for Tuberous sclerosis 2. Last evaluated: 2019-08-24. Review status: criteria provided, single submitter. Criteria: ACMG Guidelines, 2015. Collection method: clinical testing. Allele origin: maternal. Affected: yes. Study: CSER-TexasKidsCanSeq.
Comment: This variant was determined to be of uncertain significance according to ACMG Guidelines, 2015 [PMID:25741868].

Genetic Services Laboratory, University of Chicago
Classification: Likely benign. Last evaluated: 2022-11-30. Review status: no assertion criteria provided. Collection method: clinical testing. Allele origin: germline. Affected: no. Not counted in ClinVar's aggregate classification.

PreventionGenetics, part of Exact Sciences
Classification: Likely benign for TSC2-related condition. Last evaluated: 2021-12-17. Review status: no assertion criteria provided. Collection method: clinical testing. Allele origin: germline. Not counted in ClinVar's aggregate classification.
Comment: This variant is classified as likely benign based on ACMG/AMP sequence variant interpretation guidelines (Richards et al. 2015 PMID: 25741868, with internal and published modifications).

Clinical Genetics DNA and cytogenetics Diagnostics Lab, Erasmus MC, Erasmus Medical Center
Classification: Benign. Review status: no assertion criteria provided. Collection method: clinical testing. Allele origin: germline. Affected: yes. Study: VKGL Data-share Consensus. Not counted in ClinVar's aggregate classification.

Clinical Genetics, Academic Medical Center
Classification: Likely benign. Review status: no assertion criteria provided. Collection method: clinical testing. Allele origin: germline. Affected: yes. Study: VKGL Data-share Consensus. Not counted in ClinVar's aggregate classification.

Tuberous sclerosis database (TSC2)
No classification provided. Condition: TSC. Review status: no classification provided. Criteria: Tuberous Sclerosis Database Assertion Criteria 2015. Collection method: curation. Allele origin: germline. Affected: yes. Not counted in ClinVar's aggregate classification.